The following is an entry in ClinVar:

ClinVar aggregate classification (germline): Uncertain significance (1 of 4 stars; one submission).

Submission:

GeneDx
Classification: Uncertain significance. Last evaluated: 2025-03-14. Review status: criteria provided, single submitter. Criteria: GeneDx Variant Classification Process June 2021. Collection method: clinical testing. Allele origin: germline. Affected: yes.
Comment: Not observed at significant frequency in large population cohorts (gnomAD); In silico analysis supports that this missense variant has a deleterious effect on protein structure/function; Has not been previously published as pathogenic or benign to our knowledge

NM_001003800.2(BICD2):c.206A>T (p.Glu69Val)

Gene: BICD2 (BICD cargo adaptor 2; minus strand). Cytogenetic location: 9q22.31.
Variant type: single nucleotide variant.
Coding change: c.206A>T on transcript NM_001003800.2 (MANE Select); coding-DNA position 206, A replaced by T.
Protein change: p.Glu69Val; replaces glutamic acid 69 with valine.
Molecular consequence: missense variant.
Genome position (GRCh38, 1-based): chr9:92,764,539, T>A on the plus strand (A>T on the coding strand, the complement: BICD2 is on the minus strand). VCF-style: chr9-92764539-T-A. GRCh37 (hg19) VCF-style: chr9-95526821-T-A.
Other names: c.206A>T, p.Glu69Val (NM_015250.4); short protein forms E69V.
Identifiers: ClinVar variation 4083322 (VCV004083322.1).
Genomic context (GRCh38, chr9:92,764,539, plus strand): 5'-TCGCAGGGCAGGGCGGCTCGGCTCACCTCCTTGAGCTGCTCCATCTCGCTGCGGATAGCC[T>A]CATAGTCCACCTCGAGCTCCTCGAACTGCAGCTTGAGCTGGTGCTTCTCCTCGAGCACCG-3'
Protein context (NP_001003800.1, residues 59-79): LQFEELEVDY[Glu69Val]AIRSEMEQLK